The following is an entry in ClinVar:

NM_000257.4(MYH7):c.1327A>G (p.Ile443Val)

Gene: MYH7 (myosin heavy chain 7; minus strand). Cytogenetic location: 14q11.2.
Variant type: single nucleotide variant.
Coding change: c.1327A>G on transcript NM_000257.4 (MANE Select); coding-DNA position 1327, A replaced by G.
Protein change: p.Ile443Val; replaces isoleucine 443 with valine.
Molecular consequence: missense variant.
Genome position (GRCh38, 1-based): chr14:23,429,035, T>C on the plus strand (A>G on the coding strand, the complement: MYH7 is on the minus strand). VCF-style: chr14-23429035-T-C. GRCh37 (hg19) VCF-style: chr14-23898244-T-C.
Other names: c.1327A>G, p.Ile443Val (NM_001407004.1); short protein forms I443V.
Identifiers: ClinVar variation 4695097 (VCV004695097.1).

ClinVar aggregate classification (germline): Uncertain significance (1 of 4 stars; one submission).

Conditions:
Hypertrophic cardiomyopathy. Also called: HYPERTROPHIC MYOCARDIOPATHY. Identifiers: Orphanet 217569, MedGen C0007194, MeSH D002312, MONDO:0005045, HP:0001639.

Submission:

Labcorp Genetics (formerly Invitae), Labcorp
Classification: Uncertain significance for Hypertrophic cardiomyopathy. Last evaluated: 2025-09-27. Review status: criteria provided, single submitter. Criteria: Invitae Variant Classification Sherloc (09022015). Collection method: clinical testing. Allele origin: germline.
Comment: This sequence change replaces isoleucine, which is neutral and non-polar, with valine, which is neutral and non-polar, at codon 443 of the MYH7 protein (p.Ile443Val). This variant is not present in population databases (gnomAD no frequency). This missense change has been observed in individual(s) with hypertrophic cardiomyopathy (PMID: 29398688). Invitae Evidence Modeling of protein sequence and biophysical properties (such as structural, functional, and spatial information, amino acid conservation, physicochemical variation, residue mobility, and thermodynamic stability) indicates that this missense variant is expected to disrupt MYH7 protein function with a positive predictive value of 95%. In summary, the available evidence is currently insufficient to determine the role of this variant in disease. Therefore, it has been classified as a Variant of Uncertain Significance.

Literature cited by the submitters: PubMed 29398688.